The following is an entry in ClinVar:

NM_001267550.2(TTN):c.57369C>T (p.Thr19123=)

Genes: TTN (titin; minus strand), TTN-AS1 (TTN antisense RNA 1; plus strand). Cytogenetic location: 2q31.2.
Variant type: single nucleotide variant.
Coding change: c.57369C>T on transcript NM_001267550.2 (MANE Select); coding-DNA position 57369, C replaced by T.
Protein change: p.Thr19123=; no amino-acid change (threonine 19123 retained).
Molecular consequence: synonymous variant.
Genome position (GRCh38, 1-based): chr2:178,597,713, G>A on the plus strand (C>T on the coding strand, the complement: TTN is on the minus strand). VCF-style: chr2-178597713-G-A. GRCh37 (hg19) VCF-style: chr2-179462440-G-A.
Other names: c.52446C>T, p.Thr17482= (NM_001256850.1); c.30174C>T, p.Thr10058= (NM_003319.4); c.49665C>T, p.Thr16555= (NM_133378.4); c.30549C>T, p.Thr10183= (NM_133432.3); c.30750C>T, p.Thr10250= (NM_133437.4).
Identifiers: ClinVar variation 516823 (VCV000516823.26), dbSNP rs199742163, ClinGen allele CA1993059.

ClinVar aggregate classification (germline): Likely benign. Review status: criteria provided, multiple submitters, no conflicts (2 of 4 stars). 8 submissions from 8 submitters: Likely benign (6). 2 of the submissions do not count toward it. Last evaluated 2026-04-01.

Conditions:
Cardiovascular phenotype. Identifiers: MedGen CN230736.
Dilated cardiomyopathy 1G (CMD1G). Identifiers: Orphanet 154, MedGen C1858763, MONDO:0011400, OMIM 604145.
Autosomal recessive limb-girdle muscular dystrophy type 2J (LGMDR10). Also called: MUSCULAR DYSTROPHY, LIMB-GIRDLE, AUTOSOMAL RECESSIVE 10; Limb-girdle muscular dystrophy, type 2J. Identifiers: Orphanet 140922, MedGen C1837342, MONDO:0012127, OMIM 608807.

Allele frequency attached by ClinVar (database versions not stated): ExAC 0.00002; gnomAD 0.00002; TOPMed 0.00002; gnomAD exomes 0.00003.
gnomAD v4.1: 47 of 1,613,126 alleles (0.0029%); highest among the groups gnomAD compares: Middle Eastern, 0.016%; no homozygotes.

Submissions (8):

CeGaT Center for Human Genetics Tuebingen
Classification: Likely benign. Last evaluated: 2026-04-01. Review status: criteria provided, single submitter. Criteria: CeGaT Center For Human Genetics Tuebingen Variant Classification Criteria Version 2. Collection method: clinical testing. Allele origin: germline. Affected: yes. Observed: 1 variant allele.
Comment: TTN: BP4, BP7

Labcorp Genetics (formerly Invitae), Labcorp
Classification: Likely benign for Dilated cardiomyopathy 1G; Autosomal recessive limb-girdle muscular dystrophy type 2J. Last evaluated: 2025-12-17. Review status: criteria provided, single submitter. Criteria: Invitae Variant Classification Sherloc (09022015). Collection method: clinical testing. Allele origin: germline.

Blueprint Genetics
Classification: Likely benign. Last evaluated: 2024-01-05. Review status: criteria provided, single submitter. Criteria: ACMG Guidelines, 2015. Collection method: clinical testing. Allele origin: germline.

Women's Health and Genetics/Laboratory Corporation of America, LabCorp
Classification: Likely benign. Last evaluated: 2022-09-05. Review status: criteria provided, single submitter. Criteria: LabCorp Variant Classification Summary - May 2015. Collection method: clinical testing. Allele origin: germline.

GeneDx
Classification: Likely benign. Last evaluated: 2021-01-14. Review status: criteria provided, single submitter. Criteria: GeneDx Variant Classification Process June 2021. Collection method: clinical testing. Allele origin: germline. Affected: yes.

Ambry Genetics
Classification: Likely benign for Cardiovascular phenotype. Last evaluated: 2016-07-18. Review status: criteria provided, single submitter. Criteria: Ambry Variant Classification Scheme 2023. Collection method: clinical testing. Allele origin: germline.

Diagnostic Laboratory, Department of Genetics, University Medical Center Groningen
Classification: Likely benign. Review status: no assertion criteria provided. Collection method: clinical testing. Allele origin: germline. Affected: yes. Study: VKGL Data-share Consensus. Not counted in ClinVar's aggregate classification.

Joint Genome Diagnostic Labs from Nijmegen and Maastricht, Radboudumc and MUMC+
Classification: Benign. Review status: no assertion criteria provided. Collection method: clinical testing. Allele origin: germline. Affected: yes. Study: VKGL Data-share Consensus. Not counted in ClinVar's aggregate classification.